The following is an entry in ClinVar:

NM_139276.3(STAT3):c.468+6G>A

Gene: STAT3 (signal transducer and activator of transcription 3; minus strand). Cytogenetic location: 17q21.2.
Variant type: single nucleotide variant.
Coding change: c.468+6G>A on transcript NM_139276.3 (MANE Select); 6 bases into the intron after coding-DNA position 468, G replaced by A.
Molecular consequence: intron variant.
Genome position (GRCh38, 1-based): chr17:42,339,308, C>T on the plus strand (G>A on the coding strand, the complement: STAT3 is on the minus strand). VCF-style: chr17-42339308-C-T. GRCh37 (hg19) VCF-style: chr17-40491326-C-T.
Other names: c.373-496G>A (NM_001384989.1); c.468+6G>A (NM_001384992.1, NM_001384984.1, NM_001369519.1 and 15 more transcripts); c.390+6G>A (NM_001384985.1).
Identifiers: ClinVar variation 1945815 (VCV001945815.5), dbSNP rs1159458746, ClinGen allele CA626050296.

ClinVar aggregate classification (germline): Uncertain significance (1 of 4 stars; one submission).

Conditions:
Hyper-IgE recurrent infection syndrome 1, autosomal dominant. Also called: HYPER-IgE SYNDROME 1, AUTOSOMAL DOMINANT, WITH RECURRENT INFECTIONS; STAT3 Hyper IgE Syndrome; Hyper-IgE recurrent infection syndrome 1; JOB SYNDROME; Job's Syndrome. Identifiers: Orphanet 2314, MedGen C2936739, MONDO:0007818, OMIM 147060.
STAT3 gain of function. Identifiers: MedGen C4288261.

Allele frequency attached by ClinVar (database versions not stated): gnomAD exomes 0.00001; TOPMed below 0.00001.
gnomAD v4.1: 8 of 1,612,932 alleles (0.0005%); highest among the groups gnomAD compares: Non-Finnish European, 0.00068%; no homozygotes.

Submission:

Labcorp Genetics (formerly Invitae), Labcorp
Classification: Uncertain significance for STAT3 gain of function; Hyper-IgE recurrent infection syndrome 1, autosomal dominant. Last evaluated: 2025-08-18. Review status: criteria provided, single submitter. Criteria: Invitae Variant Classification Sherloc (09022015). Collection method: clinical testing. Allele origin: germline.
Comment: This sequence change falls in intron 5 of the STAT3 gene. It does not directly change the encoded amino acid sequence of the STAT3 protein. It affects a nucleotide within the consensus splice site. This variant is present in population databases (no rsID available, gnomAD 0.0009%). This variant has not been reported in the literature in individuals affected with STAT3-related conditions. ClinVar contains an entry for this variant (Variation ID: 1945815). Variants that disrupt the consensus splice site are a relatively common cause of aberrant splicing (PMID: 17576681, 9536098). Algorithms developed to predict the effect of sequence changes on RNA splicing suggest that this variant is not likely to affect RNA splicing. In summary, the available evidence is currently insufficient to determine the role of this variant in disease. Therefore, it has been classified as a Variant of Uncertain Significance.

Literature cited by the submitters: PubMed 17576681; PubMed 9536098.